The following is an entry in ClinVar:

NM_003011.4(SET):c.808G>C (p.Glu270Gln)

Gene: SET (SET nuclear proto-oncogene; plus strand). Cytogenetic location: 9q34.11.
Variant type: single nucleotide variant.
Coding change: c.808G>C on transcript NM_003011.4 (MANE Select); coding-DNA position 808, G replaced by C.
Protein change: p.Glu270Gln; replaces glutamic acid 270 with glutamine.
Molecular consequence: missense variant.
Genome position (GRCh38, 1-based): chr9:128,694,040, G>C. VCF-style: chr9-128694040-G-C. GRCh37 (hg19) VCF-style: chr9-131456319-G-C.
Other names: c.847G>C, p.Glu283Gln (NM_001122821.2, NM_001374326.1); c.781G>C, p.Glu261Gln (NM_001248000.2); c.775G>C, p.Glu259Gln (NM_001248001.2); short protein forms E259Q, E261Q, E270Q, E283Q.
Identifiers: ClinVar variation 3383622 (VCV003383622.1).
Genomic context (GRCh38, chr9:128,694,040, plus strand): 5'-GAAGAAGGGGATGAGGATGAAGGTGAAGAAGATGAAGATGATGATGAAGGGGAGGAAGGA[G>C]AGGTAAAAGAAAATTTGGCTAAACCCACAAAGATAACTTTTAAAGAATTCATGTTATTTT-3'
Protein context (NP_003002.2, residues 260-277): DEDDDEGEEG[Glu270Gln]EDEGEDD

ClinVar aggregate classification (germline): Uncertain significance (1 of 4 stars; one submission).

gnomAD v4.1: 4 of 1,514,170 alleles (0.00026%); highest among the groups gnomAD compares: Non-Finnish European, 0.00036%; no homozygotes.

Submission:

GeneDx
Classification: Uncertain significance. Last evaluated: 2024-05-28. Review status: criteria provided, single submitter. Criteria: GeneDx Variant Classification Process June 2021. Collection method: clinical testing. Allele origin: germline. Affected: yes.
Comment: Not observed at significant frequency in large population cohorts (gnomAD); In silico analysis indicates that this missense variant does not alter protein structure/function; Has not been previously published as pathogenic or benign to our knowledge